The following is an entry in ClinVar:

ClinVar aggregate classification (germline): Uncertain significance (1 of 4 stars; one submission).

Submission:

Labcorp Genetics (formerly Invitae), Labcorp
Classification: Uncertain significance. Last evaluated: 2025-07-29. Review status: criteria provided, single submitter. Criteria: Invitae Variant Classification Sherloc (09022015). Collection method: clinical testing. Allele origin: germline.
Comment: This sequence change replaces alanine, which is neutral and non-polar, with asparagine, which is neutral and polar, at codon 322 of the NEUROD1 protein (p.Ala322Asn). This variant is present in population databases (no rsID available, gnomAD 0.01%). This missense change has been observed in individual(s) with maturity onset diabetes of the young (PMID: 18811724). ClinVar contains an entry for this variant (Variation ID: 845606). An algorithm developed to predict the effect of missense changes on protein structure and function (PolyPhen-2) suggests that this variant is likely to be tolerated. In summary, the available evidence is currently insufficient to determine the role of this variant in disease. Therefore, it has been classified as a Variant of Uncertain Significance.

Literature cited by the submitters: PubMed 18811724.

NM_002500.5(NEUROD1):c.964_965delinsAA (p.Ala322Asn)

Gene: NEUROD1 (neuronal differentiation 1; minus strand). Cytogenetic location: 2q31.3.
Variant type: Indel.
Coding change: c.964_965delinsAA on transcript NM_002500.5 (MANE Select); coding-DNA positions 964 to 965, GC replaced by AA.
Protein change: p.Ala322Asn; replaces alanine 322 with asparagine.
Molecular consequence: missense variant.
Genome position (GRCh38, 1-based): chr2:181,677,896-181,677,897, GC replaced by TT on the plus strand (GC replaced by AA on the coding strand, the reverse complement: NEUROD1 is on the minus strand). VCF-style: chr2-181677896-GC-TT. GRCh37 (hg19) VCF-style: chr2-182542623-GC-TT.
Other names: short protein forms A322N.
Identifiers: ClinVar variation 845606 (VCV000845606.9), dbSNP rs1688611435, ClinGen allele CA916082266.
Genomic context (GRCh38, chr2:181,677,896, plus strand): 5'-TGATGTGAATGGCTATCGAAGGACATAATATTGTCTATGGGGATCTCGCAGCGAGGGGCA[GC>TT]GGTGCCTGAGAAGATTGATCCGTGGCTTTGGGCCCCTGCCAGTGTCGCTGCAGGATAGTG-3'
Protein context (NP_002491.3, residues 312-332): QSHGSIFSGT[Ala322Asn]APRCEIPIDN